The following is an entry in ClinVar:

NC_000009.11:g.(?_34458984)_(35809462_?)del

Genes: CA9 (carbonic anhydrase 9; plus strand), CCDC107 (coiled-coil domain containing 107; plus strand), CCL19 (C-C motif chemokine ligand 19; minus strand), CCL21 (C-C motif chemokine ligand 21; minus strand), CCL27 (C-C motif chemokine ligand 27; minus strand) and 34 more. Cytogenetic location: 9p13.3.
Variant type: Deletion.
Identifiers: ClinVar variation 583851 (VCV000583851.1).

ClinVar aggregate classification (germline): Pathogenic (1 of 4 stars; one submission).

Conditions:
Hyperphosphatasia with impaired intellectual development syndrome 2. Also called: Hyperphosphatasia with intellectual disability syndrome 2; GLYCOSYLPHOSPHATIDYLINOSITOL BIOSYNTHESIS DEFECT 6. Identifiers: Orphanet 247262, MedGen C3553637, MONDO:0013882, OMIM 614749.

Submission:

Labcorp Genetics (formerly Invitae), Labcorp
Classification: Pathogenic for Hyperphosphatasia with mental retardation syndrome 2. Last evaluated: 2018-03-09. Review status: criteria provided, single submitter. Criteria: Invitae Variant Classification Sherloc (09022015). Collection method: clinical testing. Allele origin: germline.
Comment: A gross deletion of the genomic region encompassing the full coding sequence of the PIGO gene has been identified. The boundaries of this event are unknown as the deletion extends beyond the assayed region for this gene and therefore may encompass additional genes. This variant has not been reported in the literature in individuals with PIGO-related disease. Loss-of-function variants in PIGO are known to be pathogenic (PMID: 22683086, 24417746). For these reasons, this variant has been classified as Pathogenic.